The following is an entry in ClinVar:

NM_017617.5(NOTCH1):c.4105A>G (p.Ser1369Gly)

Gene: NOTCH1 (notch receptor 1; minus strand). Cytogenetic location: 9q34.3.
Variant type: single nucleotide variant.
Coding change: c.4105A>G on transcript NM_017617.5 (MANE Select); coding-DNA position 4105, A replaced by G.
Protein change: p.Ser1369Gly; replaces serine 1369 with glycine.
Molecular consequence: missense variant.
Genome position (GRCh38, 1-based): chr9:136,505,791, T>C on the plus strand (A>G on the coding strand, the complement: NOTCH1 is on the minus strand). VCF-style: chr9-136505791-T-C. GRCh37 (hg19) VCF-style: chr9-139400243-T-C.
Other names: short protein forms S1369G.
Identifiers: ClinVar variation 1737879 (VCV001737879.2), dbSNP rs947424604, ClinGen allele CA201645158.

ClinVar aggregate classification (germline): Uncertain significance (1 of 4 stars; one submission).

Conditions:
Familial thoracic aortic aneurysm and aortic dissection (TAAD). Also called: Thoracic aortic aneurysms and dissections. Identifiers: Orphanet 91387, MedGen C4707243, MONDO:0019625.

Allele frequency attached by ClinVar (database versions not stated): gnomAD exomes below 0.00001; gnomAD 0.00001; TOPMed 0.00001.
gnomAD v4.1: 5 of 1,582,960 alleles (0.00032%); highest among the groups gnomAD compares: Non-Finnish European, 0.00043%; no homozygotes.

Submission:

Ambry Genetics
Classification: Uncertain significance for Familial thoracic aortic aneurysm and aortic dissection. Last evaluated: 2022-02-14. Review status: criteria provided, single submitter. Criteria: Ambry Variant Classification Scheme 2023. Collection method: clinical testing. Allele origin: germline.
Comment: The p.S1369G variant (also known as c.4105A>G), located in coding exon 25 of the NOTCH1 gene, results from an A to G substitution at nucleotide position 4105. The serine at codon 1369 is replaced by glycine, an amino acid with similar properties. This amino acid position is conserved. In addition, the in silico prediction for this alteration is inconclusive. Since supporting evidence is limited at this time, the clinical significance of this alteration remains unclear.